The following is an entry in ClinVar:

NM_016239.4(MYO15A):c.8738G>A (p.Arg2913His)

Gene: MYO15A (myosin XVA; plus strand). Cytogenetic location: 17p11.2.
Variant type: single nucleotide variant.
Coding change: c.8738G>A on transcript NM_016239.4 (MANE Select); coding-DNA position 8738, G replaced by A.
Protein change: p.Arg2913His; replaces arginine 2913 with histidine.
Molecular consequence: missense variant.
Genome position (GRCh38, 1-based): chr17:18,157,180, G>A. VCF-style: chr17-18157180-G-A. GRCh37 (hg19) VCF-style: chr17-18060494-G-A.
Other names: short protein forms R2913H.
Identifiers: ClinVar variation 3161282 (VCV003161282.2), dbSNP rs778013941, ClinGen allele CA8425249.

ClinVar aggregate classification (germline): Uncertain significance. Review status: criteria provided, multiple submitters, no conflicts (2 of 4 stars). 2 submissions from 2 submitters: Uncertain significance (2). Last evaluated 2024-07-09.

Conditions:
Inborn genetic diseases. Identifiers: MedGen C0950123, MeSH D030342.

Allele frequency attached by ClinVar (database versions not stated): gnomAD 0.00001; ExAC 0.00002; gnomAD exomes 0.00002; TOPMed 0.00002.
gnomAD v4.1: 35 of 1,610,198 alleles (0.0022%); highest among the groups gnomAD compares: African/African-American, 0.004%; no homozygotes.

Submissions (2):

GeneDx
Classification: Uncertain significance. Last evaluated: 2024-07-09. Review status: criteria provided, single submitter. Criteria: GeneDx Variant Classification Process June 2021. Collection method: clinical testing. Allele origin: germline. Affected: yes.
Comment: Not observed at significant frequency in large population cohorts (gnomAD); In silico analysis indicates that this missense variant does not alter protein structure/function; Has not been previously published as pathogenic or benign to our knowledge

Ambry Genetics
Classification: Uncertain significance for Inborn genetic diseases. Last evaluated: 2023-12-16. Review status: criteria provided, single submitter. Criteria: Ambry Variant Classification Scheme 2023. Collection method: clinical testing. Allele origin: germline.